The following is an entry in ClinVar:

NM_001042545.2(LTBP4):c.567_584del (p.187RAEAAA[1])

Gene: LTBP4 (latent transforming growth factor beta binding protein 4; plus strand). Cytogenetic location: 19q13.2.
Variant type: Deletion.
Coding change: c.567_584del on transcript NM_001042545.2 (MANE Select); coding-DNA positions 567 to 584, 18 bases deleted (AGCGGCGGCGCGGGCGGA).
Protein change: p.187RAEAAA[1].
Molecular consequence: inframe deletion.
Genome position (GRCh38, 1-based): chr19:40,605,529-40,605,546, AGCGGCGGCGCGGGCGGA deleted; deleting any 18 consecutive bases within chr19:40,605,517-40,605,546 gives the same sequence; the c. name uses the placement nearest the transcript's 3' end. VCF-style (leftmost placement, unchanged base first): chr19-40605516-TGGCGCGGGCGGAAGCGGC-T. GRCh37 (hg19) VCF-style: chr19-41111422-TGGCGCGGGCGGAAGCGGC-T.
Other names: c.768_785del, p.254RAEAAA[1] (NM_001042544.1); c.657_674del, p.217RAEAAA[1] (NM_003573.2).
Identifiers: ClinVar variation 3342747 (VCV003342747.1).
Genomic context (GRCh38, chr19:40,605,516, plus strand): 5'-TGGTGGTGCACCAGGTGGAGCGTGTGTCTGGCCCTTGGGAGGAGGCGGACGCTGAGGCGG[TGGCGCGGGCGGAAGCGGC>T]GGCGCGGGCGGAGGCGGCAGCGCCCTACACGGTGTTGGCACAGAGCGCGCCGCGGGAGGA-3'

ClinVar aggregate classification (germline): Uncertain significance (1 of 4 stars; one submission).

Submission:

GeneDx
Classification: Uncertain significance. Last evaluated: 2023-12-11. Review status: criteria provided, single submitter. Criteria: GeneDx Variant Classification Process June 2021. Collection method: clinical testing. Allele origin: germline. Affected: yes.
Comment: Not observed at significant frequency in large population cohorts (gnomAD); In silico analysis supports that this variant does not alter protein structure/function; Has not been previously published as pathogenic or benign to our knowledge